The following is an entry in ClinVar:

NM_000123.4(ERCC5):c.592C>A (p.Pro198Thr)

Genes: BIVM-ERCC5 (BIVM-ERCC5 readthrough; plus strand), ERCC5 (ERCC excision repair 5, endonuclease; plus strand). Cytogenetic location: 13q33.1.
Variant type: single nucleotide variant.
Coding change: c.592C>A on transcript NM_000123.4 (MANE Select); coding-DNA position 592, C replaced by A.
Protein change: p.Pro198Thr; replaces proline 198 with threonine.
Molecular consequence: missense variant.
Genome position (GRCh38, 1-based): chr13:102,858,338, C>A. VCF-style: chr13-102858338-C-A. GRCh37 (hg19) VCF-style: chr13-103510688-C-A.
Other names: c.1954C>A, p.Pro652Thr (NM_001204425.2); short protein forms P198T, P652T.
Identifiers: ClinVar variation 134179 (VCV000134179.13), dbSNP rs141369732, ClinGen allele CA159018.

ClinVar aggregate classification (germline): Conflicting classifications of pathogenicity. Review status: criteria provided, conflicting classifications (1 of 4 stars). 4 submissions from 4 submitters: Uncertain significance (1); Likely benign (2). 1 of the submissions does not count toward it. Last evaluated 2025-12-22.

Conditions:
Xeroderma pigmentosum, group G (XPG). Also called: ERCC5-Related Xeroderma Pigmentosum; XP, GROUP G; Xeroderma pigmentosum type 7; XERODERMA PIGMENTOSUM VII. Identifiers: MedGen C0268141, MONDO:0010216, OMIM 278780.

Allele frequency attached by ClinVar (database versions not stated): 1000 Genomes Project 30x 0.00125; 1000 Genomes Project 0.00160.

Submissions (4):

Labcorp Genetics (formerly Invitae), Labcorp
Classification: Likely benign. Last evaluated: 2025-12-22. Review status: criteria provided, single submitter. Criteria: Invitae Variant Classification Sherloc (09022015). Collection method: clinical testing. Allele origin: germline.

Women's Health and Genetics/Laboratory Corporation of America, LabCorp
Classification: Likely benign. Last evaluated: 2023-03-21. Review status: criteria provided, single submitter. Criteria: LabCorp Variant Classification Summary - May 2015. Collection method: clinical testing. Allele origin: germline.
Comment: Variant summary: ERCC5 c.592C>A (p.Pro198Thr) results in a non-conservative amino acid change in the encoded protein sequence. Two of four in-silico tools predict a benign effect of the variant on protein function. The variant allele was found at a frequency of 0.00029 in 251270 control chromosomes, predominantly at a frequency of 0.0024 within the South Asian subpopulation in the gnomAD database. The observed variant frequency within South Asian control individuals in the gnomAD database is approximately 12.39 fold of the estimated maximal expected allele frequency for a pathogenic variant in ERCC5 causing Xeroderma Pigmentosum phenotype (0.00019), strongly suggesting that the variant is a benign polymorphism found primarily in populations of South Asian origin. To our knowledge, no occurrence of c.592C>A in individuals affected with Xeroderma Pigmentosum and no experimental evidence demonstrating its impact on protein function have been reported. Two clinical diagnostic laboratories have submitted clinical-significance assessments for this variant to ClinVar after 2014 without evidence for independent evaluation. One laboratory classified the variant as likely benign, and one laboratory classified the variant as uncertain significance. Based on the evidence outlined above, the variant was classified as likely benign.

Illumina Laboratory Services, Illumina
Classification: Uncertain significance for Xeroderma pigmentosum, group G. Last evaluated: 2018-01-12. Review status: criteria provided, single submitter. Criteria: ICSL Variant Classification Criteria 13 December 2019. Collection method: clinical testing. Allele origin: germline.

ITMI
No classification provided. Condition: AllHighlyPenetrant. Last evaluated: 2013-09-19. Review status: no classification provided. Collection method: reference population. Allele origin: germline. Not counted in ClinVar's aggregate classification.
Comment: Please see associated publication for description of ethnicities

Literature cited by the submitters: PubMed 24728327 (cited by ITMI).